The following is an entry in ClinVar:

NM_021969.3(NR0B2):c.275G>A (p.Trp92Ter)

Genes: NUDC (nuclear distribution C, dynein complex regulator; plus strand), NR0B2 (nuclear receptor subfamily 0 group B member 2; minus strand). Cytogenetic location: 1p36.11.
Variant type: single nucleotide variant.
Coding change: c.275G>A on transcript NM_021969.3 (MANE Select); coding-DNA position 275, G replaced by A.
Protein change: p.Trp92Ter; replaces tryptophan 92 with a stop codon.
Molecular consequence: nonsense.
Genome position (GRCh38, 1-based): chr1:26,913,666, C>T on the plus strand (G>A on the coding strand, the complement: NR0B2 is on the minus strand). VCF-style: chr1-26913666-C-T. GRCh37 (hg19) VCF-style: chr1-27240157-C-T.
Other names: short protein forms W92*.
Identifiers: ClinVar variation 4997086 (VCV004997086.1).

ClinVar aggregate classification (germline): Uncertain significance (1 of 4 stars; one submission).

Conditions:
NR0B2-related disorder. Also called: NR0B2-related condition.

gnomAD v4.1: 11 of 1,613,662 alleles (0.00068%); highest among the groups gnomAD compares: Non-Finnish European, 0.00093%; no homozygotes.

Submission:

PreventionGenetics, part of Exact Sciences
Classification: Uncertain significance for NR0B2-related condition. Last evaluated: 2024-11-23. Review status: criteria provided, single submitter. Criteria: ACMG Guidelines, 2015. Collection method: clinical testing. Allele origin: germline.
Comment: The NR0B2 c.275G>A variant is predicted to result in premature protein termination (p.Trp92*). To our knowledge, this variant has not been reported in the literature or in a large population database (gnomAD), indicating this variant is rare. Several chain-terminating variants have been associated with mild obesity in the literature; however, genomic data from the gnomAD cohort suggests that NR0B2 is tolerant to chain-terminating variants. Although we suspect that this variant may be pathogenic, at this time, the clinical significance of this variant is uncertain due to the absence of conclusive functional and genetic evidence.